The following is an entry in ClinVar:

NM_017547.4(FOXRED1):c.879C>A (p.Ala293=)

Gene: FOXRED1 (FAD dependent oxidoreductase domain containing 1; plus strand). Cytogenetic location: 11q24.2.
Variant type: single nucleotide variant.
Coding change: c.879C>A on transcript NM_017547.4 (MANE Select); coding-DNA position 879, C replaced by A.
Protein change: p.Ala293=; no amino-acid change (alanine 293 retained).
Molecular consequence: synonymous variant. On other transcripts: non-coding transcript variant (2).
Genome position (GRCh38, 1-based): chr11:126,276,127, C>A. VCF-style: chr11-126276127-C-A. GRCh37 (hg19) VCF-style: chr11-126146022-C-A.
Other names: c.909C>A, p.Ala303= (NM_001425160.1); c.879C>A, p.Ala293= (NM_001425161.1, NM_001425163.1, NM_001425165.1 and 1 more transcripts); c.876C>A, p.Ala292= (NM_001425164.1); c.777C>A, p.Ala259= (NM_001425167.1); c.369C>A, p.Ala123= (NM_001425168.1, NM_001425169.1, NM_001425170.1); c.318C>A, p.Ala106= (NM_001425171.1, NM_001425172.1); c.246C>A, p.Ala82= (NM_001425173.1, NM_001425174.1, NM_001425175.1).
Identifiers: ClinVar variation 2642530 (VCV002642530.24), dbSNP rs2497193789, ClinGen allele CA477701304.

ClinVar aggregate classification (germline): Likely benign (1 of 4 stars; one submission).

Submission:

CeGaT Center for Human Genetics Tuebingen
Classification: Likely benign. Last evaluated: 2022-07-01. Review status: criteria provided, single submitter. Criteria: CeGaT Center For Human Genetics Tuebingen Variant Classification Criteria Version 2. Collection method: clinical testing. Allele origin: germline. Affected: yes. Observed: 1 variant allele.
Comment: FOXRED1: PM2:Supporting, BP4, BP7